The following is an entry in ClinVar:

ClinVar aggregate classification (germline): Conflicting classifications of pathogenicity. Review status: criteria provided, conflicting classifications (1 of 4 stars). 2 submissions from 2 submitters: Uncertain significance (1); Likely benign (1). Last evaluated 2025-11-13.

Conditions:
Inborn genetic diseases. Identifiers: MedGen C0950123, MeSH D030342.

Submissions (2):

Labcorp Genetics (formerly Invitae), Labcorp
Classification: Uncertain significance. Last evaluated: 2025-11-13. Review status: criteria provided, single submitter. Criteria: Invitae Variant Classification Sherloc (09022015). Collection method: clinical testing. Allele origin: germline.
Comment: This sequence change replaces aspartic acid, which is acidic and polar, with asparagine, which is neutral and polar, at codon 261 of the MBD4 protein (p.Asp261Asn). This variant is not present in population databases (gnomAD no frequency). This variant has not been reported in the literature in individuals affected with MBD4-related conditions. ClinVar contains an entry for this variant (Variation ID: 4052191). An algorithm developed to predict the effect of missense changes on protein structure and function outputs the following: PolyPhen-2: "Benign". The asparagine amino acid residue is found in multiple mammalian species, which suggests that this missense change does not adversely affect protein function. In summary, the available evidence is currently insufficient to determine the role of this variant in disease. Therefore, it has been classified as a Variant of Uncertain Significance.

Ambry Genetics
Classification: Likely benign for Inborn genetic diseases. Last evaluated: 2025-04-06. Review status: criteria provided, single submitter. Criteria: Ambry Variant Classification Scheme 2023. Collection method: clinical testing. Allele origin: germline.

NM_001276270.2(MBD4):c.781G>A (p.Asp261Asn)

Gene: MBD4 (methyl-CpG binding domain 4, DNA glycosylase; minus strand). Cytogenetic location: 3q21.3.
Variant type: single nucleotide variant.
Coding change: c.781G>A on transcript NM_001276270.2 (MANE Select); coding-DNA position 781, G replaced by A.
Protein change: p.Asp261Asn; replaces aspartic acid 261 with asparagine.
Molecular consequence: missense variant. On other transcripts: intron variant (1).
Genome position (GRCh38, 1-based): chr3:129,436,863, C>T on the plus strand (G>A on the coding strand, the complement: MBD4 is on the minus strand). VCF-style: chr3-129436863-C-T. GRCh37 (hg19) VCF-style: chr3-129155706-C-T.
Other names: c.781G>A, p.Asp261Asn (NM_001276271.2, NM_001276272.2, NM_003925.3); c.247+945G>A (NM_001276273.2); short protein forms D261N.
Identifiers: ClinVar variation 4052191 (VCV004052191.2).